The following is an entry in ClinVar:

NM_006059.4(LAMC3):c.1124A>G (p.Asp375Gly)

Gene: LAMC3 (laminin subunit gamma 3; plus strand). Cytogenetic location: 9q34.12.
Variant type: single nucleotide variant.
Coding change: c.1124A>G on transcript NM_006059.4 (MANE Select); coding-DNA position 1124, A replaced by G.
Protein change: p.Asp375Gly; replaces aspartic acid 375 with glycine.
Molecular consequence: missense variant.
Genome position (GRCh38, 1-based): chr9:131,039,011, A>G. VCF-style: chr9-131039011-A-G. GRCh37 (hg19) VCF-style: chr9-133914398-A-G.
Other names: short protein forms D375G.
Identifiers: ClinVar variation 2096633 (VCV002096633.4), dbSNP rs1588146033, ClinGen allele CA375259247.

ClinVar aggregate classification (germline): Uncertain significance (1 of 4 stars; one submission).

Allele frequency attached by ClinVar (database versions not stated): gnomAD exomes 0.00001.
gnomAD v4.1: 8 of 1,613,448 alleles (0.0005%); highest among the groups gnomAD compares: African/African-American, 0.0013%; no homozygotes.

Submission:

Labcorp Genetics (formerly Invitae), Labcorp
Classification: Uncertain significance. Last evaluated: 2022-05-23. Review status: criteria provided, single submitter. Criteria: Invitae Variant Classification Sherloc (09022015). Collection method: clinical testing. Allele origin: germline.
Comment: In summary, the available evidence is currently insufficient to determine the role of this variant in disease. Therefore, it has been classified as a Variant of Uncertain Significance. Algorithms developed to predict the effect of missense changes on protein structure and function (SIFT, PolyPhen-2, Align-GVGD) all suggest that this variant is likely to be tolerated. This variant has not been reported in the literature in individuals affected with LAMC3-related conditions. This variant is not present in population databases (gnomAD no frequency). This sequence change replaces aspartic acid, which is acidic and polar, with glycine, which is neutral and non-polar, at codon 375 of the LAMC3 protein (p.Asp375Gly).